The following is an entry in ClinVar:

ClinVar aggregate classification (germline): Uncertain significance (1 of 4 stars; one submission).

Conditions:
EP300-related disorder. Also called: EP300-related condition; EP300-related disorders.

Submission:

PreventionGenetics, part of Exact Sciences
Classification: Uncertain significance for EP300-related condition. Last evaluated: 2026-01-05. Review status: criteria provided, single submitter. Criteria: ACMG Guidelines, 2015. Collection method: clinical testing. Allele origin: germline.
Comment: The EP300 c.3137A>G variant is predicted to result in the amino acid substitution p.Lys1046Arg. To our knowledge, this variant has not been reported in the literature or in a large population database (gnomAD), indicating this variant is rare. At this time, the clinical significance of this variant is uncertain due to the absence of conclusive functional and genetic evidence.

NM_001429.4(EP300):c.3137A>G (p.Lys1046Arg)

Genes: EP300 (EP300 lysine acetyltransferase; plus strand), LOC126863158 (BRD4-independent group 4 enhancer GRCh37_chr22:41547383-41548582; plus strand). Cytogenetic location: 22q13.2.
Variant type: single nucleotide variant.
Coding change: c.3137A>G on transcript NM_001429.4 (MANE Select); coding-DNA position 3137, A replaced by G.
Protein change: p.Lys1046Arg; replaces lysine 1046 with arginine.
Molecular consequence: missense variant.
Genome position (GRCh38, 1-based): chr22:41,152,345, A>G. VCF-style: chr22-41152345-A-G. GRCh37 (hg19) VCF-style: chr22-41548349-A-G.
Other names: c.3059A>G, p.Lys1020Arg (NM_001362843.2); short protein forms K1020R, K1046R.
Identifiers: ClinVar variation 4994120 (VCV004994120.1).